The following is an entry in ClinVar:

ClinVar aggregate classification (germline): Uncertain significance (1 of 4 stars; one submission).

Conditions:
Osteogenesis imperfecta type 8 (OI8). Identifiers: MedGen C1970458, MONDO:0012581, OMIM 610915.

Allele frequency attached by ClinVar (database versions not stated): gnomAD exomes below 0.00001.

Submission:

Labcorp Genetics (formerly Invitae), Labcorp
Classification: Uncertain significance for Osteogenesis imperfecta type 8. Last evaluated: 2020-10-14. Review status: criteria provided, single submitter. Criteria: Invitae Variant Classification Sherloc (09022015). Collection method: clinical testing. Allele origin: germline.
Comment: In summary, the available evidence is currently insufficient to determine the role of this variant in disease. Therefore, it has been classified as a Variant of Uncertain Significance. Experimental studies and prediction algorithms are not available or were not evaluated, and the functional significance of this variant is currently unknown. This variant has not been reported in the literature in individuals with P3H1-related conditions. This variant is not present in population databases (ExAC no frequency). This variant, c.751_765dup, results in the insertion of 5 amino acid(s) to the P3H1 protein (p.Asp251_Tyr255dup), but otherwise preserves the integrity of the reading frame.

NM_022356.4(P3H1):c.751_765dup (p.Asp251_Tyr255dup)

Gene: P3H1 (prolyl 3-hydroxylase 1; minus strand). Cytogenetic location: 1p34.2.
Variant type: Duplication.
Coding change: c.751_765dup on transcript NM_022356.4 (MANE Select); coding-DNA positions 751 to 765, 15 bases duplicated (GACTACGATGGCTAC).
Protein change: p.Asp251_Tyr255dup.
Molecular consequence: inframe insertion.
Genome position (GRCh38, 1-based): chr1:42,759,244-42,759,258, GTAGCCATCGTAGTC duplicated on the plus strand (GACTACGATGGCTAC on the coding strand, the reverse complement: P3H1 is on the minus strand). VCF-style (leftmost placement, unchanged base first): chr1-42759243-T-TGTAGCCATCGTAGTC. GRCh37 (hg19) VCF-style: chr1-43224914-T-TGTAGCCATCGTAGTC.
Other names: c.751_765dup, p.Asp251_Tyr255dup (NM_001146289.2, NM_001243246.2).
Identifiers: ClinVar variation 1020188 (VCV001020188.6), dbSNP rs1652568948, ClinGen allele CA1165343396.
Genomic context (GRCh38, chr1:42,759,243, plus strand): 5'-GCTCTGAACTGCACGCACCTGTGATGGCCTGGAAGAGGTCAGCGTTGTACTCAAGGTAGT[T>TGTAGCCATCGTAGTC]GTAGCCATCGTAGTCATAGGGCCCTTCGCAGAGGGCACGGCACTCCTCATAGGCCACAAA-3'